The following is an entry in ClinVar:

NM_000088.4(COL1A1):c.4387T>C (p.Phe1463Leu)

Gene: COL1A1 (collagen type I alpha 1 chain; minus strand). Cytogenetic location: 17q21.33.
Variant type: single nucleotide variant.
Coding change: c.4387T>C on transcript NM_000088.4 (MANE Select); coding-DNA position 4387, T replaced by C.
Protein change: p.Phe1463Leu; replaces phenylalanine 1463 with leucine.
Molecular consequence: missense variant.
Genome position (GRCh38, 1-based): chr17:50,185,510, A>G on the plus strand (T>C on the coding strand, the complement: COL1A1 is on the minus strand). VCF-style: chr17-50185510-A-G. GRCh37 (hg19) VCF-style: chr17-48262871-A-G.
Other names: short protein forms F1463L.
Identifiers: ClinVar variation 1166697 (VCV001166697.15), dbSNP rs577626107, ClinGen allele CA8644165.

ClinVar aggregate classification (germline): Benign/Likely benign. Review status: criteria provided, multiple submitters, no conflicts (2 of 4 stars). 5 submissions from 5 submitters: Benign (3); Likely benign (1). 1 of the submissions does not count toward it. Last evaluated 2025-01-21.

Conditions:
Cardiovascular phenotype. Identifiers: MedGen CN230736.
COL1A1-related disorder. Also called: COL1A1- related disease; COL1A1-related condition.
Osteogenesis imperfecta type I (OI1). Also called: Osteogenesis imperfecta type 1; Lobstein's Disease; Lobstein disease; OI, TYPE I; OSTEOGENESIS IMPERFECTA TARDA; OSTEOGENESIS IMPERFECTA WITH BLUE SCLERAE. Identifiers: Orphanet 216796, Orphanet 666, MedGen C0023931, MONDO:0008146, OMIM 166200. Disease mechanism: loss of function.

Allele frequency attached by ClinVar (database versions not stated): gnomAD 0.00002 and 0.00022; TOPMed 0.00006; gnomAD exomes 0.00037 and 0.00076; ExAC 0.00087; 1000 Genomes Project 0.00100; 1000 Genomes Project 30x 0.00109.
gnomAD v4.1: 577 of 1,613,376 alleles (0.036%); highest among the groups gnomAD compares: South Asian, 0.6%; 11 homozygotes.

Submissions (5):

Labcorp Genetics (formerly Invitae), Labcorp
Classification: Benign for Osteogenesis imperfecta type I. Last evaluated: 2025-01-21. Review status: criteria provided, single submitter. Criteria: Invitae Variant Classification Sherloc (09022015). Collection method: clinical testing. Allele origin: germline.

Blueprint Genetics
Classification: Likely benign. Last evaluated: 2024-10-23. Review status: criteria provided, single submitter. Criteria: ACMG Guidelines, 2015. Collection method: clinical testing. Allele origin: germline.

Ambry Genetics
Classification: Benign for Cardiovascular phenotype. Last evaluated: 2024-08-01. Review status: criteria provided, single submitter. Criteria: Ambry Variant Classification Scheme 2023. Collection method: clinical testing. Allele origin: germline.

GeneDx
Classification: Benign. Last evaluated: 2021-03-05. Review status: criteria provided, single submitter. Criteria: GeneDx Variant Classification Process June 2021. Collection method: clinical testing. Allele origin: germline. Affected: yes.
Comment: This variant is associated with the following publications: (PMID: 25146735)

PreventionGenetics, part of Exact Sciences
Classification: Benign for COL1A1-related condition. Last evaluated: 2019-09-10. Review status: no assertion criteria provided. Collection method: clinical testing. Allele origin: germline. Not counted in ClinVar's aggregate classification.
Comment: This variant is classified as benign based on ACMG/AMP sequence variant interpretation guidelines (Richards et al. 2015 PMID: 25741868, with internal and published modifications).

Literature cited by the submitters: PubMed 28636882 (cited by Ambry Genetics); PubMed 33110269 (cited by Ambry Genetics).